The following is an entry in ClinVar:

ClinVar aggregate classification (germline): Likely benign. Review status: criteria provided, multiple submitters, no conflicts (2 of 4 stars). 3 submissions from 3 submitters: Likely benign (3). Last evaluated 2026-01-11.

Conditions:
Hypercholesterolemia, autosomal dominant, type B (FHCL2). Also called: Familial Hypercholesterolemia Type B; APOLIPOPROTEIN B-100, FAMILIAL DEFECTIVE; APOLIPOPROTEIN B-100, FAMILIAL LIGAND-DEFECTIVE; HYPERCHOLESTEROLEMIA, FAMILIAL, DUE TO LIGAND-DEFECTIVE APOLIPOPROTEIN B; Hyperlipoproteinemia Type IIb; APOB-Related Familial Hypercholesterolemia, Autosomal Dominant. Identifiers: MedGen C1704417, MONDO:0007751, OMIM 144010.
Familial hypobetalipoproteinemia 1. Also called: Hypobetalipoproteinemia, normotriglyceridemic; Acanthocytosis with hypobetalipoproteinemia; APOB-Related Familial Hypobetalipoproteinemia. Identifiers: MedGen C4551990, MONDO:0014252, OMIM 615558.
Cardiovascular phenotype. Identifiers: MedGen CN230736.
Familial hypercholesterolemia. Also called: Familial hypercholesterolemias; Familial hypercholesterolaemia. Identifiers: MedGen C0020445, MONDO:0005439.

Allele frequency attached by ClinVar (database versions not stated): gnomAD 0.00001; gnomAD exomes 0.00001; TOPMed 0.00001; ExAC 0.00002.

Submissions (3):

Labcorp Genetics (formerly Invitae), Labcorp
Classification: Likely benign for Familial hypobetalipoproteinemia 1; Hypercholesterolemia, autosomal dominant, type B. Last evaluated: 2026-01-11. Review status: criteria provided, single submitter. Criteria: Invitae Variant Classification Sherloc (09022015). Collection method: clinical testing. Allele origin: germline.

GENinCode PLC
Classification: Likely benign for Familial hypercholesterolemia. Last evaluated: 2025-07-25. Review status: criteria provided, single submitter. Criteria: ACMG Guidelines, 2015. Collection method: clinical testing. Allele origin: germline.
Comment: This is a synonymous (silent) variant that is not predicted to impact splicing and occurs at a nucleotide which is not highly conserved. This variant has been classified as Likely Benign (BP4, BP7).

Ambry Genetics
Classification: Likely benign for Cardiovascular phenotype. Last evaluated: 2023-10-19. Review status: criteria provided, single submitter. Criteria: Ambry Variant Classification Scheme 2023. Collection method: clinical testing. Allele origin: germline.

NM_000384.3(APOB):c.10254G>A (p.Thr3418=)

Gene: APOB (apolipoprotein B; minus strand). Cytogenetic location: 2p24.1.
Variant type: single nucleotide variant.
Coding change: c.10254G>A on transcript NM_000384.3 (MANE Select); coding-DNA position 10254, G replaced by A.
Protein change: p.Thr3418=; no amino-acid change (threonine 3418 retained).
Molecular consequence: synonymous variant.
Genome position (GRCh38, 1-based): chr2:21,006,614, C>T on the plus strand (G>A on the coding strand, the complement: APOB is on the minus strand). VCF-style: chr2-21006614-C-T. GRCh37 (hg19) VCF-style: chr2-21229486-C-T.
Identifiers: ClinVar variation 3231346 (VCV003231346.3), dbSNP rs781639766, ClinGen allele CA042878.